The following is an entry in ClinVar:

ClinVar aggregate classification (germline): Likely benign (1 of 4 stars; one submission).

Submission:

CeGaT Center for Human Genetics Tuebingen
Classification: Likely benign. Last evaluated: 2025-01-01. Review status: criteria provided, single submitter. Criteria: CeGaT Center For Human Genetics Tuebingen Variant Classification Criteria Version 2. Collection method: clinical testing. Allele origin: germline. Affected: yes. Observed: 1 variant allele.
Comment: PFKL: PM2:Supporting, BP4, BP7

NM_002626.6(PFKL):c.86-789G>C

Gene: PFKL (phosphofructokinase, liver type; plus strand). Cytogenetic location: 21q22.3.
Variant type: single nucleotide variant.
Coding change: c.86-789G>C on transcript NM_002626.6 (MANE Select); 789 bases into the intron before coding-DNA position 86, G replaced by C.
Molecular consequence: intron variant. On other transcripts: synonymous variant (1).
Genome position (GRCh38, 1-based): chr21:44,305,892, G>C. VCF-style: chr21-44305892-G-C. GRCh37 (hg19) VCF-style: chr21-45725775-G-C.
Other names: c.192G>C, p.Val64= (NM_001002021.3).
Identifiers: ClinVar variation 3772211 (VCV003772211.13).